The following is an entry in ClinVar:

NM_020693.4(DSCAML1):c.745G>T (p.Ala249Ser)

Gene: DSCAML1 (DS cell adhesion molecule like 1; minus strand). Cytogenetic location: 11q23.3.
Variant type: single nucleotide variant.
Coding change: c.745G>T on transcript NM_020693.4 (MANE Select); coding-DNA position 745, G replaced by T.
Protein change: p.Ala249Ser; replaces alanine 249 with serine.
Molecular consequence: missense variant.
Genome position (GRCh38, 1-based): chr11:117,524,997, C>A on the plus strand (G>T on the coding strand, the complement: DSCAML1 is on the minus strand). VCF-style: chr11-117524997-C-A. GRCh37 (hg19) VCF-style: chr11-117395712-C-A.
Other names: c.745G>T, p.Ala249Ser (NM_001367904.1); c.337G>T, p.Ala113Ser (NM_001367905.1); short protein forms A249S, A113S.
Identifiers: ClinVar variation 2779652 (VCV002779652.3), dbSNP rs529794656, ClinGen allele CA382749774.

ClinVar aggregate classification (germline): Uncertain significance (1 of 4 stars; one submission).

gnomAD v4.1: 2 of 1,610,708 alleles (0.00012%); highest among the groups gnomAD compares: South Asian, 0.0022%; no homozygotes.

Submission:

Labcorp Genetics (formerly Invitae), Labcorp
Classification: Uncertain significance. Last evaluated: 2023-08-17. Review status: criteria provided, single submitter. Criteria: Invitae Variant Classification Sherloc (09022015). Collection method: clinical testing. Allele origin: germline.
Comment: This variant has not been reported in the literature in individuals affected with DSCAML1-related conditions. In summary, the available evidence is currently insufficient to determine the role of this variant in disease. Therefore, it has been classified as a Variant of Uncertain Significance. An algorithm developed to predict the effect of missense changes on protein structure and function (PolyPhen-2) suggests that this variant is likely to be disruptive. This variant is not present in population databases (gnomAD no frequency). This sequence change replaces alanine, which is neutral and non-polar, with serine, which is neutral and polar, at codon 309 of the DSCAML1 protein (p.Ala309Ser).